The following is an entry in ClinVar:

ClinVar aggregate classification (germline): Pathogenic (1 of 4 stars; one submission).

Conditions:
Popliteal pterygium syndrome (PPS). Identifiers: MONDO:0017435, Orphanet 294963, MedGen C0265259.
Van der Woude syndrome. Identifiers: Orphanet 888, MedGen C0175697, MONDO:0019508.
Orofacial cleft 6, susceptibility to (OFC6). Also called: CLEFT LIP WITH OR WITHOUT CLEFT PALATE, NONSYNDROMIC, 6. Identifiers: MedGen C1837213, MONDO:0012141, OMIM 608864.

Submission:

Labcorp Genetics (formerly Invitae), Labcorp
Classification: Pathogenic for Orofacial cleft 6, susceptibility to; Van der Woude syndrome; Popliteal pterygium syndrome. Last evaluated: 2021-12-14. Review status: criteria provided, single submitter. Criteria: Invitae Variant Classification Sherloc (09022015). Collection method: clinical testing. Allele origin: germline.
Comment: Advanced modeling of protein sequence and biophysical properties (such as structural, functional, and spatial information, amino acid conservation, physicochemical variation, residue mobility, and thermodynamic stability) performed at Invitae indicates that this missense variant is expected to disrupt IRF6 protein function. This missense change has been observed in individuals with van der Woude syndrome (PMID: 19282774). This variant is not present in population databases (gnomAD no frequency). This sequence change replaces glutamic acid, which is acidic and polar, with lysine, which is basic and polar, at codon 92 of the IRF6 protein (p.Glu92Lys). This variant disrupts the p.Glu92 amino acid residue in IRF6. Other variant(s) that disrupt this residue have been observed in individuals with IRF6-related conditions (PMID: 19282774, 21045959), which suggests that this may be a clinically significant amino acid residue. For these reasons, this variant has been classified as Pathogenic.

Literature cited by the submitters: PubMed 19282774; PubMed 21045959.

NM_006147.4(IRF6):c.274G>A (p.Glu92Lys)

Gene: IRF6 (interferon regulatory factor 6; minus strand). Cytogenetic location: 1q32.2.
Variant type: single nucleotide variant.
Coding change: c.274G>A on transcript NM_006147.4 (MANE Select); coding-DNA position 274, G replaced by A.
Protein change: p.Glu92Lys; replaces glutamic acid 92 with lysine.
Molecular consequence: missense variant. On other transcripts: 5 prime UTR variant (1).
Genome position (GRCh38, 1-based): chr1:209,796,453, C>T on the plus strand (G>A on the coding strand, the complement: IRF6 is on the minus strand). VCF-style: chr1-209796453-C-T. GRCh37 (hg19) VCF-style: chr1-209969798-C-T.
Other names: c.-12G>A (NM_001206696.2); short protein forms E92K.
Identifiers: ClinVar variation 2202931 (VCV002202931.4), dbSNP rs121434224, ClinGen allele CA344583182.